The following is an entry in ClinVar:

NM_030662.4(MAP2K2):c.33G>A (p.Ala11=)

Genes: MAP2K2 (mitogen-activated protein kinase kinase 2; minus strand), LOC130063193 (ATAC-STARR-seq lymphoblastoid silent region 9881; plus strand). Cytogenetic location: 19p13.3.
Variant type: single nucleotide variant.
Coding change: c.33G>A on transcript NM_030662.4 (MANE Select); coding-DNA position 33, G replaced by A.
Protein change: p.Ala11=; no amino-acid change (alanine 11 retained).
Molecular consequence: synonymous variant.
Genome position (GRCh38, 1-based): chr19:4,123,843, C>T on the plus strand (G>A on the coding strand, the complement: MAP2K2 is on the minus strand). VCF-style: chr19-4123843-C-T. GRCh37 (hg19) VCF-style: chr19-4123840-C-T.
Other names: p.A11A:GCG>GCA.
Identifiers: ClinVar variation 50935 (VCV000050935.19), dbSNP rs368233443, ClinGen allele CA143879.

ClinVar aggregate classification (germline): Benign/Likely benign. Review status: criteria provided, multiple submitters, no conflicts (2 of 4 stars). 6 submissions from 6 submitters: Benign (2); Likely benign (4). Last evaluated 2025-12-14.

Conditions:
Cardiovascular phenotype. Identifiers: MedGen CN230736.
RASopathy. Also called: rasopathies; Noonan spectrum disorder. Identifiers: Orphanet 536391, MedGen C5555857, MONDO:0021060.

Allele frequency attached by ClinVar (database versions not stated): 1000 Genomes Project 0.00020; 1000 Genomes Project 30x 0.00031; gnomAD exomes 0.00035 and 0.00007; ExAC 0.00008; gnomAD 0.00013; TOPMed 0.00015; ESP Exome Variant Server 0.00040.
gnomAD v4.1: 495 of 1,529,584 alleles (0.032%); highest among the groups gnomAD compares: Non-Finnish European, 0.041%; no homozygotes.

Submissions (6):

Labcorp Genetics (formerly Invitae), Labcorp
Classification: Likely benign for RASopathy. Last evaluated: 2025-12-14. Review status: criteria provided, single submitter. Criteria: Invitae Variant Classification Sherloc (09022015). Collection method: clinical testing. Allele origin: germline.

Blueprint Genetics
Classification: Likely benign. Last evaluated: 2024-06-17. Review status: criteria provided, single submitter. Criteria: ACMG Guidelines, 2015. Collection method: clinical testing. Allele origin: germline.

Ambry Genetics
Classification: Likely benign for Cardiovascular phenotype. Last evaluated: 2022-03-23. Review status: criteria provided, single submitter. Criteria: Ambry Variant Classification Scheme 2023. Collection method: clinical testing. Allele origin: germline.

Women's Health and Genetics/Laboratory Corporation of America, LabCorp
Classification: Benign. Last evaluated: 2021-10-30. Review status: criteria provided, single submitter. Criteria: LabCorp Variant Classification Summary - May 2015. Collection method: clinical testing. Allele origin: germline.

GeneDx
Classification: Benign. Last evaluated: 2014-01-06. Review status: criteria provided, single submitter. Criteria: GeneDx Variant Classification (06012015). Collection method: clinical testing. Allele origin: germline. Affected: yes.
Comment: This variant is considered likely benign or benign based on one or more of the following criteria: it is a conservative change, it occurs at a poorly conserved position in the protein, it is predicted to be benign by multiple in silico algorithms, and/or has population frequency not consistent with disease.

Laboratory for Molecular Medicine, Mass General Brigham Personalized Medicine
Classification: Likely benign. Last evaluated: 2013-04-12. Review status: criteria provided, single submitter. Criteria: LMM Criteria. Collection method: clinical testing. Allele origin: germline. Observed: 6 variant alleles.
Comment: Ala11Ala in exon 1 of MAP2K2: This variant is not expected to have clinical sign ificance because it does not alter an amino acid residue, it is not located with in the splice consensus sequence, and it has been identified in 0.05% (4/8368) o f European American chromosomes from a broad population by the NHLBI Exome Seque ncing Project